The following is an entry in ClinVar:

ClinVar aggregate classification (germline): Likely pathogenic. Review status: criteria provided, multiple submitters, no conflicts (2 of 4 stars). 2 submissions from 2 submitters: Likely pathogenic (2). Last evaluated 2023-10-30.

Conditions:
Methylmalonic aciduria and homocystinuria type cblD (MAHCD). Also called: Methylmalonic aciduria with homocystinuria cblD type; METHYLMALONIC ACIDEMIA, cblH TYPE. Identifiers: Orphanet 622, Orphanet 79283, MedGen C1848552, MONDO:0010185, OMIM 277410.

Allele frequency attached by ClinVar (database versions not stated): gnomAD 0.00001.
gnomAD v4.1: 1 of 1,613,290 alleles (0.000062%); highest among the groups gnomAD compares: Non-Finnish European, 0.000085%; no homozygotes.

Submissions (2):

Baylor Genetics
Classification: Likely pathogenic for Methylmalonic aciduria and homocystinuria type cblD. Last evaluated: 2023-10-30. Review status: criteria provided, single submitter. Criteria: ACMG Guidelines, 2015. Collection method: clinical testing. Allele origin: unknown.

Labcorp Genetics (formerly Invitae), Labcorp
Classification: Likely pathogenic for Methylmalonic aciduria and homocystinuria type cblD. Last evaluated: 2023-02-09. Review status: criteria provided, single submitter. Criteria: Invitae Variant Classification Sherloc (09022015). Collection method: clinical testing. Allele origin: germline.
Comment: Algorithms developed to predict the effect of sequence changes on RNA splicing suggest that this variant may disrupt the consensus splice site. ClinVar contains an entry for this variant (Variation ID: 856813). This variant has not been reported in the literature in individuals affected with MMADHC-related conditions. This variant is not present in population databases (gnomAD no frequency). In summary, the currently available evidence indicates that the variant is pathogenic, but additional data are needed to prove that conclusively. Therefore, this variant has been classified as Likely Pathogenic. This sequence change affects an acceptor splice site in intron 2 of the MMADHC gene. It is expected to disrupt RNA splicing. Variants that disrupt the donor or acceptor splice site typically lead to a loss of protein function (PMID: 16199547), and loss-of-function variants in MMADHC are known to be pathogenic (PMID: 18385497).

Literature cited by the submitters: PubMed 16199547 (cited by Labcorp Genetics (formerly Invitae), Labcorp); PubMed 18385497 (cited by Labcorp Genetics (formerly Invitae), Labcorp).

NM_015702.3(MMADHC):c.10-1G>C

Gene: MMADHC (metabolism of cobalamin associated D; minus strand). Cytogenetic location: 2q23.2.
Variant type: single nucleotide variant.
Coding change: c.10-1G>C on transcript NM_015702.3 (MANE Select); the canonical splice acceptor site of the intron before coding-DNA position 10, G replaced by C.
Molecular consequence: splice acceptor variant.
Genome position (GRCh38, 1-based): chr2:149,582,272, C>G on the plus strand (G>C on the coding strand, the complement: MMADHC is on the minus strand). VCF-style: chr2-149582272-C-G. GRCh37 (hg19) VCF-style: chr2-150438786-C-G.
Identifiers: ClinVar variation 856813 (VCV000856813.9), dbSNP rs1573880177, ClinGen allele CA348871262.
Genomic context (GRCh38, chr2:149,582,272, plus strand): 5'-TTTAACTAAAGAGCAAAATCCTGGGAGATAGGAAACCAGTCTGGCTCTGTTACAAAGCAC[C>G]TAGAAATGACACAAAATTAAAACTATTTGTTCTGAATATAAATGTTATACTTACATAGAC-3'